The following is an entry in ClinVar:

NM_016252.4(BIRC6):c.11568T>C (p.Arg3856=)

Gene: BIRC6 (baculoviral IAP repeat containing 6; plus strand). Cytogenetic location: 2p22.3.
Variant type: single nucleotide variant.
Coding change: c.11568T>C on transcript NM_016252.4 (MANE Select); coding-DNA position 11568, T replaced by C.
Protein change: p.Arg3856=; no amino-acid change (arginine 3856 retained).
Molecular consequence: synonymous variant.
Genome position (GRCh38, 1-based): chr2:32,518,891, T>C. VCF-style: chr2-32518891-T-C. GRCh37 (hg19) VCF-style: chr2-32743958-T-C.
Other names: c.11565T>C, p.Arg3855= (NM_001378125.1).
Identifiers: ClinVar variation 3772367 (VCV003772367.13).

ClinVar aggregate classification (germline): Likely benign (1 of 4 stars; one submission).

Submission:

CeGaT Center for Human Genetics Tuebingen
Classification: Likely benign. Last evaluated: 2025-01-01. Review status: criteria provided, single submitter. Criteria: CeGaT Center For Human Genetics Tuebingen Variant Classification Criteria Version 2. Collection method: clinical testing. Allele origin: germline. Affected: yes. Observed: 1 variant allele.
Comment: BIRC6: PM2:Supporting, BP4, BP7